The following is an entry in ClinVar:

NM_024298.5(MBOAT7):c.757_769del (p.Glu253fs)

Gene: MBOAT7 (membrane bound O-acyltransferase domain containing 7; minus strand). Cytogenetic location: 19q13.42.
Variant type: Deletion.
Coding change: c.757_769del on transcript NM_024298.5 (MANE Select); coding-DNA positions 757 to 769, 13 bases deleted (GAGTGCGGCTGCA).
Protein change: p.Glu253fs; shifts the reading frame from glutamic acid 253.
Molecular consequence: frameshift variant.
Genome position (GRCh38, 1-based): chr19:54,180,858-54,180,870, TGCAGCCGCACTC deleted on the plus strand (GAGTGCGGCTGCA on the coding strand, the reverse complement: MBOAT7 is on the minus strand). VCF-style (leftmost placement, unchanged base first): chr19-54180857-ATGCAGCCGCACTC-A. GRCh37 (hg19) VCF-style: chr19-54684574-ATGCAGCCGCACTC-A.
Other names: c.538_550del, p.Glu180fs (NM_001146056.3, NM_001146083.3); c.757_769del, p.Glu253fs (NM_001146082.3); short protein forms E180fs, E253fs.
Identifiers: ClinVar variation 817917 (VCV000817917.1), dbSNP rs1600651595, ClinGen allele CA915951957.
Genomic context (GRCh38, chr19:54,180,857, plus strand): 5'-GTGGGGCCGCCTCCGGCCCGGGCTTTGGCGGCCACGGGGTAGGCCCCAAAGCCGGCGGCA[ATGCAGCCGCACTC>A]GGCGGCAATCCAGGCCACGTAGAAGCGCATGCGGAAGGCGAAGAAGACGGGGATCATGTA-3'

ClinVar aggregate classification (germline): Pathogenic (1 of 4 stars; one submission).

Submission:

GeneDx
Classification: Pathogenic. Last evaluated: 2019-02-22. Review status: criteria provided, single submitter. Criteria: GeneDx Variant Classification (06012015). Collection method: clinical testing. Allele origin: germline. Affected: yes.
Comment: The c.757_769del13 variant in the MBOAT7 gene has not been reported previously as a pathogenic variant nor as a benign variant, to our knowledge. The c.757_769del13 variant causes a frameshift starting with codon Glutamic Acid 253, changes this amino acid to a Leucine residue, and creates a premature Stop codon at position 66 of the new reading frame, denoted p.Glu253LeufsX66. This variant is predicted to cause loss of normal protein function either through protein truncation or nonsense-mediated mRNA decay. The c.757_769del13 variant is not observed in large population cohorts (Lek et al., 2016). We interpret c.757_769del13 as a pathogenic variant.